The following is an entry in ClinVar:

ClinVar aggregate classification (germline): Conflicting classifications of pathogenicity. Review status: criteria provided, conflicting classifications (1 of 4 stars). 2 submissions from 2 submitters: Pathogenic (1); Uncertain significance (1). Last evaluated 2022-07-06.

Conditions:
Primary ciliary dyskinesia. Also called: Ciliary dyskinesia. Identifiers: Orphanet 244, MedGen C0008780, MONDO:0016575, HP:0012265.

Submissions (2):

Labcorp Genetics (formerly Invitae), Labcorp
Classification: Pathogenic for Primary ciliary dyskinesia. Last evaluated: 2022-07-06. Review status: criteria provided, single submitter. Criteria: Invitae Variant Classification Sherloc (09022015). Collection method: clinical testing. Allele origin: germline.
Comment: This variant is not present in population databases (gnomAD no frequency). For these reasons, this variant has been classified as Pathogenic. Advanced modeling of protein sequence and biophysical properties (such as structural, functional, and spatial information, amino acid conservation, physicochemical variation, residue mobility, and thermodynamic stability) performed at Invitae indicates that this missense variant is expected to disrupt RPGR protein function. ClinVar contains an entry for this variant (Variation ID: 454517). This missense change has been observed in individual(s) with clinical features of primary ciliary dyskinesia (Invitae). In at least one individual the variant was observed to be de novo. This sequence change replaces glycine, which is neutral and non-polar, with aspartic acid, which is acidic and polar, at codon 251 of the RPGR protein (p.Gly251Asp).

PreventionGenetics, part of Exact Sciences
Classification: Uncertain significance. Last evaluated: 2018-11-05. Review status: criteria provided, single submitter. Criteria: ACMG Guidelines, 2015. Collection method: clinical testing. Allele origin: germline.

NM_001034853.2(RPGR):c.752G>A (p.Gly251Asp)

Gene: RPGR (retinitis pigmentosa GTPase regulator; minus strand). Cytogenetic location: Xp11.4.
Variant type: single nucleotide variant.
Coding change: c.752G>A on transcript NM_001034853.2 (MANE Select); coding-DNA position 752, G replaced by A.
Protein change: p.Gly251Asp; replaces glycine 251 with aspartic acid.
Molecular consequence: missense variant. On other transcripts: non-coding transcript variant (6).
Genome position (GRCh38, 1-based): chrX:38,310,641, C>T on the plus strand (G>A on the coding strand, the complement: RPGR is on the minus strand). VCF-style: chrX-38310641-C-T. GRCh37 (hg19) VCF-style: chrX-38169894-C-T.
Other names: c.752G>A, p.Gly251Asp (NM_000328.3, NM_001367246.1, NM_001367247.1 and 1 more transcripts); c.749G>A, p.Gly250Asp (NM_001367245.1, NM_001367249.1, NM_001367250.1); c.782G>A, p.Gly261Asp (NM_001367248.1); short protein forms G251D, G261D, G250D.
Identifiers: ClinVar variation 454517 (VCV000454517.11), dbSNP rs1555966699, ClinGen allele CA412742559.
Genomic context (GRCh38, chrX:38,310,641, plus strand): 5'-ACGCAGGGAACAGAACAGTGGACTCCACACATACCCGTGAGAACCACAGTATGCTCTCCA[C>T]CACAGGCTACTTGGATCACCTTCTCCGGAATTTCAGACACCAGCTGGGGTGTTCTGTGAT-3'
Protein context (NP_001030025.1, residues 241-261): IPEKVIQVAC[Gly251Asp]GEHTVVLTEN